The following is an entry in ClinVar:

NM_001282534.2(KCNK9):c.716T>C (p.Leu239Pro)

Gene: KCNK9 (potassium two pore domain channel subfamily K member 9; minus strand). Cytogenetic location: 8q24.3.
Variant type: single nucleotide variant.
Coding change: c.716T>C on transcript NM_001282534.2 (MANE Select); coding-DNA position 716, T replaced by C.
Protein change: p.Leu239Pro; replaces leucine 239 with proline.
Molecular consequence: missense variant. On other transcripts: non-coding transcript variant (1).
Genome position (GRCh38, 1-based): chr8:139,618,667, A>G on the plus strand (T>C on the coding strand, the complement: KCNK9 is on the minus strand). VCF-style: chr8-139618667-A-G. GRCh37 (hg19) VCF-style: chr8-140630910-A-G.
Other names: short protein forms L239P.
Identifiers: ClinVar variation 4293529 (VCV004293529.1).

ClinVar aggregate classification (germline): Likely pathogenic (1 of 4 stars; one submission).

Conditions:
Birk-Barel syndrome. Also called: MENTAL RETARDATION WITH HYPOTONIA AND FACIAL DYSMORPHISM; KCNK9 Imprinting Syndrome. Identifiers: Orphanet 166108, MedGen C2676770, MONDO:0012856, OMIM 612292.

Submission:

3billion
Classification: Likely pathogenic for Birk-Barel syndrome. Last evaluated: 2024-10-11. Review status: criteria provided, single submitter. Criteria: ACMG Guidelines, 2015. Collection method: clinical testing. Allele origin: germline. Affected: yes.
Comment: The variant is not observed in the gnomAD v4.1.0 dataset. Predicted Consequence/Location: Missense variant. Missense changes are a common disease-causing mechanism. In silico tool predictions suggest damaging effect of the variant on gene or gene product [REVEL: 0.67 (>=0.6, sensitivity 0.68 and specificity 0.92)]. Therefore, this variant is classified as Likely pathogenic according to the recommendation of ACMG/AMP guideline.